The following is an entry in ClinVar:

NM_001271938.2(MEGF8):c.5434G>A (p.Asp1812Asn)

Gene: MEGF8 (multiple EGF like domains 8; plus strand). Cytogenetic location: 19q13.2.
Variant type: single nucleotide variant.
Coding change: c.5434G>A on transcript NM_001271938.2 (MANE Select); coding-DNA position 5434, G replaced by A.
Protein change: p.Asp1812Asn; replaces aspartic acid 1812 with asparagine.
Molecular consequence: missense variant.
Genome position (GRCh38, 1-based): chr19:42,359,188, G>A. VCF-style: chr19-42359188-G-A. GRCh37 (hg19) VCF-style: chr19-42863340-G-A.
Other names: c.5233G>A, p.Asp1745Asn (NM_001410.3); short protein forms D1745N, D1812N.
Identifiers: ClinVar variation 1440201 (VCV001440201.6), dbSNP rs747286989, ClinGen allele CA9475573.

ClinVar aggregate classification (germline): Uncertain significance (1 of 4 stars; one submission).

Conditions:
MEGF8-related Carpenter syndrome. Also called: Carpenter syndrome 2. Identifiers: Orphanet 65759, MedGen C3554247, MONDO:0013998, OMIM 614976.

Allele frequency attached by ClinVar (database versions not stated): gnomAD 0.00001; gnomAD exomes 0.00001 and 0.00002; TOPMed 0.00002; ExAC 0.00003.
gnomAD v4.1: 15 of 1,604,778 alleles (0.00093%); highest among the groups gnomAD compares: Admixed American, 0.0068%; no homozygotes.

Submission:

Labcorp Genetics (formerly Invitae), Labcorp
Classification: Uncertain significance for MEGF8-related Carpenter syndrome. Last evaluated: 2021-04-23. Review status: criteria provided, single submitter. Criteria: Invitae Variant Classification Sherloc (09022015). Collection method: clinical testing. Allele origin: germline.
Comment: In summary, the available evidence is currently insufficient to determine the role of this variant in disease. Therefore, it has been classified as a Variant of Uncertain Significance. Algorithms developed to predict the effect of missense changes on protein structure and function are either unavailable or do not agree on the potential impact of this missense change (SIFT: "Tolerated"; PolyPhen-2: "Possibly Damaging"; Align-GVGD: "Class C0"). This variant has not been reported in the literature in individuals with MEGF8-related conditions. This variant is present in population databases (rs747286989, ExAC 0.02%). This sequence change replaces aspartic acid with asparagine at codon 1745 of the MEGF8 protein (p.Asp1745Asn). The aspartic acid residue is moderately conserved and there is a small physicochemical difference between aspartic acid and asparagine.